The following is an entry in ClinVar:

ClinVar aggregate classification (germline): Pathogenic (1 of 4 stars; one submission).

Conditions:
Intellectual developmental disorder, autosomal dominant 52. Also called: Intellectual disability, autosomal dominant 52; Mental retardation, autosomal dominant 52. Identifiers: MedGen C4540478, MONDO:0030918, OMIM 617796.

Submission:

Juno Genomics, Hangzhou Juno Genomics, Inc
Classification: Pathogenic for Intellectual developmental disorder, autosomal dominant 52. Review status: criteria provided, single submitter. Criteria: ACMG Guidelines, 2015. Collection method: clinical testing. Allele origin: germline. Affected: yes.
Comment: Absent from controls (or at extremely low frequency if recessive) in Genome Aggregation Database.;Null variant in a gene where loss of function (LOF) is a known mechanism of disease.;Patient's phenotype or family history is highly specific for a disease with a single genetic etiology.

NM_018489.3(ASH1L):c.2227A>T (p.Lys743Ter)

Gene: ASH1L (ASH1 like histone lysine methyltransferase; minus strand). Cytogenetic location: 1q22.
Variant type: single nucleotide variant.
Coding change: c.2227A>T on transcript NM_018489.3 (MANE Select); coding-DNA position 2227, A replaced by T.
Protein change: p.Lys743Ter; replaces lysine 743 with a stop codon.
Molecular consequence: nonsense.
Genome position (GRCh38, 1-based): chr1:155,480,643, T>A on the plus strand (A>T on the coding strand, the complement: ASH1L is on the minus strand). VCF-style: chr1-155480643-T-A. GRCh37 (hg19) VCF-style: chr1-155450434-T-A.
Other names: c.2227A>T, p.Lys743Ter (NM_001366177.2); short protein forms K743*.
Identifiers: ClinVar variation 5019980 (VCV005019980.1).